The following is an entry in ClinVar:

NM_015656.2(KIF26A):c.5375G>A (p.Arg1792Gln)

Gene: KIF26A (kinesin family member 26A; plus strand). Cytogenetic location: 14q32.33.
Variant type: single nucleotide variant.
Coding change: c.5375G>A on transcript NM_015656.2 (MANE Select); coding-DNA position 5375, G replaced by A.
Protein change: p.Arg1792Gln; replaces arginine 1792 with glutamine.
Molecular consequence: missense variant.
Genome position (GRCh38, 1-based): chr14:104,179,294, G>A. VCF-style: chr14-104179294-G-A. GRCh37 (hg19) VCF-style: chr14-104645631-G-A.
Other names: short protein forms R1792Q.
Identifiers: ClinVar variation 2344267 (VCV002344267.4), dbSNP rs111397861, ClinGen allele CA7371584.

ClinVar aggregate classification (germline): Uncertain significance. Review status: criteria provided, multiple submitters, no conflicts (2 of 4 stars). 2 submissions from 2 submitters: Uncertain significance (2). Last evaluated 2025-06-06.

Allele frequency attached by ClinVar (database versions not stated): gnomAD 0.00009; ExAC 0.00012; TOPMed 0.00012; gnomAD exomes 0.00018.
gnomAD v4.1: 262 of 1,535,708 alleles (0.017%); highest among the groups gnomAD compares: Non-Finnish European, 0.017%; no homozygotes.

Submissions (2):

Women's Health and Genetics/Laboratory Corporation of America, LabCorp
Classification: Uncertain significance. Last evaluated: 2025-06-06. Review status: criteria provided, single submitter. Criteria: LabCorp Variant Classification Summary - May 2015. Collection method: clinical testing. Allele origin: germline.
Comment: Variant summary: KIF26A c.5375G>A (p.Arg1792Gln) results in a conservative amino acid change in the encoded protein sequence. Algorithms developed to predict the effect of missense changes on protein structure and function all suggest that this variant is likely to be tolerated. The variant allele was found at a frequency of 0.00019 in 131794 control chromosomes. This frequency is not significantly higher than estimated for a pathogenic variant in KIF26A causing Cortical Dysplasia, Complex, With Other Brain Malformations 11, allowing no conclusion about variant significance. To our knowledge, no occurrence of c.5375G>A in individuals affected with Cortical Dysplasia, Complex, With Other Brain Malformations 11 and no experimental evidence demonstrating its impact on protein function have been reported. ClinVar contains an entry for this variant (Variation ID: 2344267). Based on the evidence outlined above, the variant was classified as uncertain significance.

Ambry Genetics
Classification: Uncertain significance. Last evaluated: 2024-06-10. Review status: criteria provided, single submitter. Criteria: Ambry Variant Classification Scheme 2023. Collection method: clinical testing. Allele origin: germline.